The following is an entry in ClinVar:

NM_000535.7(PMS2):c.219_220dup (p.Gly74fs)

Gene: PMS2 (PMS1 homolog 2, mismatch repair system component; minus strand). Cytogenetic location: 7p22.1.
Variant type: Microsatellite.
Coding change: c.219_220dup on transcript NM_000535.7 (MANE Select); coding-DNA positions 219 to 220, 2 bases duplicated (TG; older notation c.219_220dupTG).
Protein change: p.Gly74fs; shifts the reading frame from glycine 74.
Molecular consequence: frameshift variant. On other transcripts: initiator codon variant (2), 5 prime UTR variant (9), non-coding transcript variant (1).
Genome position (GRCh38, 1-based): chr7:6,004,002-6,004,003, CA duplicated on the plus strand (TG on the coding strand, the reverse complement: PMS2 is on the minus strand); duplicating any 2 consecutive bases within chr7:6,004,002-6,004,005 gives the same sequence; the c. name uses the placement nearest the transcript's 3' end. VCF-style (leftmost placement, unchanged base first): chr7-6004001-C-CCA. GRCh37 (hg19) VCF-style: chr7-6043632-C-CCA.
Other names: c.4_5dup, p.Trp2fs (NM_001322008.2, NM_001322007.2); c.-189TG[3] (NM_001322009.2, NM_001322010.2, NM_001322013.2 and 3 more transcripts); c.-668TG[3] (NM_001322011.2, NM_001322012.2); c.219_220dup, p.Gly74fs (NM_001322014.2, NM_001322006.2); c.-268TG[3] (NM_001322015.2); short protein forms G74fs, W2fs.
Identifiers: ClinVar variation 91332 (VCV000091332.6), dbSNP rs587779336, ClinGen allele CA331752.

ClinVar aggregate classification (germline): Pathogenic. Review status: reviewed by expert panel (3 of 4 stars). 2 submissions from 2 submitters: Pathogenic (1). 1 of the submissions does not count toward it. Last evaluated 2013-09-05.

Conditions:
Hereditary nonpolyposis colorectal neoplasms. Identifiers: MedGen C0009405, MeSH D003123.
Lynch syndrome. Identifiers: Orphanet 144, MedGen C4552100, MONDO:0005835. Disease mechanism: loss of function.

Submissions (2):

International Society for Gastrointestinal Hereditary Tumours (InSiGHT)
Classification: Pathogenic for Lynch Syndrome. Last evaluated: 2013-09-05. Review status: reviewed by expert panel. Criteria: Guidelines v1.9. Collection method: research. Allele origin: germline.
Comment: Coding sequence variation resulting in a stop codon

Classified with v1.9 guidelines

Labcorp Genetics (formerly Invitae), Labcorp
Classification: Pathogenic for Hereditary nonpolyposis colorectal neoplasms. Last evaluated: 2023-10-24. Review status: criteria provided, single submitter. Criteria: Invitae Variant Classification Sherloc (09022015). Collection method: clinical testing. Allele origin: germline. Not counted in ClinVar's aggregate classification.
Comment: This sequence change creates a premature translational stop signal (p.Gly74Valfs*3) in the PMS2 gene. It is expected to result in an absent or disrupted protein product. Loss-of-function variants in PMS2 are known to be pathogenic (PMID: 21376568, 24362816). This variant is not present in population databases (gnomAD no frequency). This premature translational stop signal has been observed in individual(s) with endometrial cancer, ovarian cancer and/or Lynch syndrome (PMID: 20186688, 22306203, 27435373). For these reasons, this variant has been classified as Pathogenic.

Literature cited by the submitters: PubMed 21376568 (cited by Labcorp Genetics (formerly Invitae), Labcorp); PubMed 24362816 (cited by Labcorp Genetics (formerly Invitae), Labcorp); PubMed 20186688 (cited by Labcorp Genetics (formerly Invitae), Labcorp); PubMed 22306203 (cited by Labcorp Genetics (formerly Invitae), Labcorp); PubMed 27435373 (cited by Labcorp Genetics (formerly Invitae), Labcorp).